The following is an entry in ClinVar:

ClinVar aggregate classification (germline): Uncertain significance (1 of 4 stars; one submission).

Conditions:
RASopathy. Also called: Noonan spectrum disorder; rasopathies. Identifiers: Orphanet 536391, MedGen C5555857, MONDO:0021060.

Allele frequency attached by ClinVar (database versions not stated): gnomAD exomes 0.00001; TOPMed 0.00001; gnomAD 0.00001.
gnomAD v4.1: 10 of 1,604,948 alleles (0.00062%); highest among the groups gnomAD compares: African/African-American, 0.0013%; no homozygotes.

Submission:

Labcorp Genetics (formerly Invitae), Labcorp
Classification: Uncertain significance for RASopathy. Last evaluated: 2025-12-09. Review status: criteria provided, single submitter. Criteria: Invitae Variant Classification Sherloc (09022015). Collection method: clinical testing. Allele origin: germline.
Comment: This sequence change replaces arginine, which is basic and polar, with glutamine, which is neutral and polar, at codon 238 of the MAP2K2 protein (p.Arg238Gln). The frequency data for this variant in the population databases is considered unreliable, as metrics indicate poor data quality at this position in the gnomAD database. This variant has not been reported in the literature in individuals affected with MAP2K2-related conditions. ClinVar contains an entry for this variant (Variation ID: 2768026). Invitae Evidence Modeling of protein sequence and biophysical properties (such as structural, functional, and spatial information, amino acid conservation, physicochemical variation, residue mobility, and thermodynamic stability) indicates that this missense variant is not expected to disrupt MAP2K2 protein function with a negative predictive value of 95%. In summary, the available evidence is currently insufficient to determine the role of this variant in disease. Therefore, it has been classified as a Variant of Uncertain Significance.

NM_030662.4(MAP2K2):c.713G>A (p.Arg238Gln)

Gene: MAP2K2 (mitogen-activated protein kinase kinase 2; minus strand). Cytogenetic location: 19p13.3.
Variant type: single nucleotide variant.
Coding change: c.713G>A on transcript NM_030662.4 (MANE Select); coding-DNA position 713, G replaced by A.
Protein change: p.Arg238Gln; replaces arginine 238 with glutamine.
Molecular consequence: missense variant.
Genome position (GRCh38, 1-based): chr19:4,099,407, C>T on the plus strand (G>A on the coding strand, the complement: MAP2K2 is on the minus strand). VCF-style: chr19-4099407-C-T. GRCh37 (hg19) VCF-style: chr19-4099405-C-T.
Other names: short protein forms R238Q.
Identifiers: ClinVar variation 2768026 (VCV002768026.3), dbSNP rs1348137830, ClinGen allele CA403387956.